The following is an entry in ClinVar:

NM_005445.4(SMC3):c.2431A>T (p.Asn811Tyr)

Gene: SMC3 (structural maintenance of chromosomes 3; plus strand). Cytogenetic location: 10q25.2.
Variant type: single nucleotide variant.
Coding change: c.2431A>T on transcript NM_005445.4 (MANE Select); coding-DNA position 2431, A replaced by T.
Protein change: p.Asn811Tyr; replaces asparagine 811 with tyrosine.
Molecular consequence: missense variant.
Genome position (GRCh38, 1-based): chr10:110,600,442, A>T. VCF-style: chr10-110600442-A-T. GRCh37 (hg19) VCF-style: chr10-112360200-A-T.
Other names: short protein forms N811Y.
Identifiers: ClinVar variation 4291900 (VCV004291900.1).

ClinVar aggregate classification (germline): Uncertain significance (1 of 4 stars; one submission).

Conditions:
Cornelia de Lange syndrome 3 (CDLS3). Also called: CORNELIA DE LANGE SYNDROME 3 WITH OR WITHOUT MIDLINE BRAIN DEFECTS; SMC3-Related Cornelia de Lange Syndrome. Identifiers: Orphanet 199, MedGen C1853099, MONDO:0012555, OMIM 610759.

Submission:

3billion
Classification: Uncertain significance for Cornelia de Lange syndrome 3. Last evaluated: 2025-02-07. Review status: criteria provided, single submitter. Criteria: ACMG Guidelines, 2015. Collection method: clinical testing. Allele origin: germline. Affected: yes.
Comment: The variant is not observed in the gnomAD v4.1.0 dataset. Predicted Consequence/Location: Missense variant. Missense changes are a common disease-causing mechanism. In silico tool predictions suggest damaging effect of the variant on gene or gene product [REVEL: 0.60 (>=0.6, sensitivity 0.68 and specificity 0.92)]. Different missense changes at the same codon have been reported as of uncertain significance (ClinVar ID: VCV003366174). Therefore, this variant is classified as VUS according to the recommendation of ACMG/AMP guideline.